The following is an entry in ClinVar:

ClinVar aggregate classification (germline): Likely benign. Review status: criteria provided, single submitter (1 of 4 stars). 2 submissions from 2 submitters: Likely benign (1). 1 of the submissions does not count toward it. Last evaluated 2023-10-06.

Conditions:
BUB1B-related disorder. Also called: BUB1B-related condition.
Mosaic variegated aneuploidy syndrome 1 (MVA1). Also called: Warburton-Anyane-Yeboa syndrome. Identifiers: Orphanet 1052, MedGen C1850343, MONDO:0009759, OMIM 257300.

Allele frequency attached by ClinVar (database versions not stated): gnomAD 0.00001; TOPMed 0.00001; gnomAD exomes 0.00002.
gnomAD v4.1: 23 of 1,614,124 alleles (0.0014%); highest among the groups gnomAD compares: Non-Finnish European, 0.0019%; no homozygotes.

Submissions (2):

Labcorp Genetics (formerly Invitae), Labcorp
Classification: Likely benign for Mosaic variegated aneuploidy syndrome 1. Last evaluated: 2023-10-06. Review status: criteria provided, single submitter. Criteria: Invitae Variant Classification Sherloc (09022015). Collection method: clinical testing. Allele origin: germline.

PreventionGenetics, part of Exact Sciences
Classification: Likely benign for BUB1B-related condition. Last evaluated: 2019-03-18. Review status: no assertion criteria provided. Collection method: clinical testing. Allele origin: germline. Not counted in ClinVar's aggregate classification.
Comment: This variant is classified as likely benign based on ACMG/AMP sequence variant interpretation guidelines (Richards et al. 2015 PMID: 25741868, with internal and published modifications).

NM_001211.6(BUB1B):c.2634A>C (p.Ile878=)

Gene: BUB1B (BUB1 mitotic checkpoint serine/threonine kinase B; plus strand). Cytogenetic location: 15q15.1.
Variant type: single nucleotide variant.
Coding change: c.2634A>C on transcript NM_001211.6 (MANE Select); coding-DNA position 2634, A replaced by C.
Protein change: p.Ile878=; no amino-acid change (isoleucine 878 retained).
Molecular consequence: synonymous variant.
Genome position (GRCh38, 1-based): chr15:40,213,430, A>C. VCF-style: chr15-40213430-A-C. GRCh37 (hg19) VCF-style: chr15-40505631-A-C.
Other names: c.2634A>C (NM_001211.5).
Identifiers: ClinVar variation 1160108 (VCV001160108.11), dbSNP rs1233769017, ClinGen allele CA489707570.
Genomic context (GRCh38, chr15:40,213,430, plus strand): 5'-AACAGTGTTGATTATTTATAACCTTTTGACAATAGTGGAGATGCTACACAAAGCAGAAAT[A>C]GTCCATGGTGACTTGAGTCCAAGGTGTCTGATTCTCAGAAACAGGTTGGTCCTTTTCATT-3'
Protein context (NP_001202.5, residues 868-888): TIVEMLHKAE[Ile878=]VHGDLSPRCL